The following is an entry in ClinVar:

NM_031433.4(MFRP):c.1109T>C (p.Phe370Ser)

Genes: C1QTNF5 (C1q and TNF related 5; minus strand), MFRP (membrane frizzled-related protein; minus strand). Cytogenetic location: 11q23.3.
Variant type: single nucleotide variant.
Coding change: c.1109T>C on transcript NM_031433.4 (MANE Select); coding-DNA position 1109, T replaced by C.
Protein change: p.Phe370Ser; replaces phenylalanine 370 with serine.
Molecular consequence: missense variant. On other transcripts: 5 prime UTR variant (1).
Genome position (GRCh38, 1-based): chr11:119,343,831, A>G on the plus strand (T>C on the coding strand, the complement: MFRP is on the minus strand). VCF-style: chr11-119343831-A-G. GRCh37 (hg19) VCF-style: chr11-119214541-A-G.
Other names: c.-1528T>C (NM_015645.5); short protein forms F370S.
Identifiers: ClinVar variation 839225 (VCV000839225.10), dbSNP rs1950528411, ClinGen allele CA382974669.

ClinVar aggregate classification (germline): Uncertain significance (1 of 4 stars; one submission).

Conditions:
Isolated microphthalmia 5. Also called: Posterior Microphthalmia with Retinitis Pigmentosa, Foveoschisis, and Optic Disc Drusen. Identifiers: Orphanet 251279, MedGen C1970236, MONDO:0012605, OMIM 611040.

Allele frequency attached by ClinVar (database versions not stated): gnomAD 0.00001.
gnomAD v4.1: 1 of 1,613,722 alleles (0.000062%); highest among the groups gnomAD compares: Admixed American, 0.0017%; no homozygotes.

Submission:

Labcorp Genetics (formerly Invitae), Labcorp
Classification: Uncertain significance for Isolated microphthalmia 5. Last evaluated: 2019-11-28. Review status: criteria provided, single submitter. Criteria: Invitae Variant Classification Sherloc (09022015). Collection method: clinical testing. Allele origin: germline.
Comment: In summary, the available evidence is currently insufficient to determine the role of this variant in disease. Therefore, it has been classified as a Variant of Uncertain Significance. Algorithms developed to predict the effect of missense changes on protein structure and function (SIFT, PolyPhen-2, Align-GVGD) all suggest that this variant is likely to be tolerated, but these predictions have not been confirmed by published functional studies and their clinical significance is uncertain. This variant has not been reported in the literature in individuals with MFRP-related conditions. This variant is not present in population databases (ExAC no frequency). This sequence change replaces phenylalanine with serine at codon 370 of the MFRP protein (p.Phe370Ser). The phenylalanine residue is weakly conserved and there is a large physicochemical difference between phenylalanine and serine.